The following is an entry in ClinVar:

ClinVar aggregate classification (germline): Uncertain significance (1 of 4 stars; one submission).

Allele frequency attached by ClinVar (database versions not stated): gnomAD exomes 0.00001; gnomAD 0.00004 and 0.00005; TOPMed 0.00012; ExAC 0.00001.
gnomAD v4.1: 29 of 1,613,936 alleles (0.0018%); highest among the groups gnomAD compares: African/African-American, 0.0067%; no homozygotes.

Submission:

Labcorp Genetics (formerly Invitae), Labcorp
Classification: Uncertain significance. Last evaluated: 2022-06-13. Review status: criteria provided, single submitter. Criteria: Invitae Variant Classification Sherloc (09022015). Collection method: clinical testing. Allele origin: germline.
Comment: This sequence change replaces glutamic acid, which is acidic and polar, with lysine, which is basic and polar, at codon 1262 of the LTBP2 protein (p.Glu1262Lys). The frequency data for this variant in the population databases is considered unreliable, as metrics indicate poor data quality at this position in the gnomAD database. This variant has not been reported in the literature in individuals affected with LTBP2-related conditions. Algorithms developed to predict the effect of missense changes on protein structure and function are either unavailable or do not agree on the potential impact of this missense change (SIFT: "Deleterious"; PolyPhen-2: "Benign"; Align-GVGD: "Class C55"). In summary, the available evidence is currently insufficient to determine the role of this variant in disease. Therefore, it has been classified as a Variant of Uncertain Significance.

NM_000428.3(LTBP2):c.3784G>A (p.Glu1262Lys)

Gene: LTBP2 (latent transforming growth factor beta binding protein 2; minus strand). Cytogenetic location: 14q24.3.
Variant type: single nucleotide variant.
Coding change: c.3784G>A on transcript NM_000428.3 (MANE Select); coding-DNA position 3784, G replaced by A.
Protein change: p.Glu1262Lys; replaces glutamic acid 1262 with lysine.
Molecular consequence: missense variant.
Genome position (GRCh38, 1-based): chr14:74,507,302, C>T on the plus strand (G>A on the coding strand, the complement: LTBP2 is on the minus strand). VCF-style: chr14-74507302-C-T. GRCh37 (hg19) VCF-style: chr14-74974005-C-T.
Other names: short protein forms E1262K.
Identifiers: ClinVar variation 1468734 (VCV001468734.3), dbSNP rs774636357, ClinGen allele CA7269029.
Genomic context (GRCh38, chr14:74,507,302, plus strand): 5'-AGCCAGGGCTGTTTTCACACTTCCAGGTGCCACACACCGGGTCTCCATAGTCCTCACACT[C>T]GTCAATATCTGTCCCCAGAGCCATGCCATGAGAGAGGACAGAGGTGGCCAGGTCACTGCT-3'
Protein context (NP_000419.1, residues 1252-1272): PESGECVDID[Glu1262Lys]CEDYGDPVCG